The following is an entry in ClinVar:

ClinVar aggregate classification (germline): Benign (1 of 4 stars; one submission).

Conditions:
Oroticaciduria. Also called: Orotic aciduria. Identifiers: Orphanet 30, MedGen C0268128, HP:0003218.

Allele frequency attached by ClinVar (database versions not stated): TOPMed 0.17986; 1000 Genomes Project 0.18610; 1000 Genomes Project 30x 0.18754; gnomAD exomes 0.18823 and 0.19886; ExAC 0.19941; gnomAD 0.17624 and 0.17765.
gnomAD v4.1: 71,579 of 389,990 alleles (18%); highest among the groups gnomAD compares: Admixed American, 28%; 7,225 homozygotes.

Submissions (4):

Illumina Laboratory Services, Illumina
Classification: Benign for Hereditary orotic aciduria. Last evaluated: 2018-01-13. Review status: criteria provided, single submitter. Criteria: ICSL Variant Classification Criteria 13 December 2019. Collection method: clinical testing. Allele origin: germline.
Comment: This variant was observed in the ICSL laboratory as part of a predisposition screen in an ostensibly healthy population. It had not been previously curated by ICSL or reported in the Human Gene Mutation Database (HGMD: prior to June 1st, 2018), and was therefore a candidate for classification through an automated scoring system. Utilizing variant allele frequency, disease prevalence and penetrance estimates, and inheritance mode, an automated score was calculated to assess if this variant is too frequent to cause the disease. Based on the score and internal cut-off values, a variant classified as benign is not then subjected to further curation. The score for this variant resulted in a classification of benign for this disease.

Dr. Peter K. Rogan Lab, Western University
No classification provided (evidence only). Condition: Acute myeloid leukemia. Review status: no classification provided. Collection method: in vitro. Allele origin: not applicable. Functional consequence: retained intron. Not counted in ClinVar's aggregate classification.

Dr. Peter K. Rogan Lab, Western University
No classification provided (evidence only). Condition: Acute myeloid leukemia. Review status: no classification provided. Collection method: in vitro. Allele origin: not applicable. Functional consequence: retained intron. Not counted in ClinVar's aggregate classification.

Dr. Peter K. Rogan Lab, Western University
No classification provided (evidence only). Condition: Acute myeloid leukemia. Review status: no classification provided. Collection method: in vitro. Allele origin: not applicable. Functional consequence: retained intron. Not counted in ClinVar's aggregate classification.

NM_000373.4(UMPS):c.*3990A>T

Gene: UMPS (uridine monophosphate synthetase; plus strand). Cytogenetic location: 3q21.2.
Variant type: single nucleotide variant.
Coding change: c.*3990A>T on transcript NM_000373.4 (MANE Select); 3990 bases downstream of the stop codon, A replaced by T.
Molecular consequence: 3 prime UTR variant. On other transcripts: non-coding transcript variant (2).
Genome position (GRCh38, 1-based): chr3:124,748,074, A>T. VCF-style: chr3-124748074-A-T. GRCh37 (hg19) VCF-style: chr3-124466921-A-T.
Other names: NC_000003.11:g.124466921A>T.
Identifiers: ClinVar variation 343015 (VCV000343015.6), dbSNP rs77082052, ClinGen allele CA2582140.